The following is an entry in ClinVar:

ClinVar aggregate classification (germline): Uncertain significance (1 of 4 stars; one submission).

Conditions:
TRPC5-related disorder. Also called: TRPC5-related condition.

Submission:

PreventionGenetics, part of Exact Sciences
Classification: Uncertain significance for TRPC5-related condition. Last evaluated: 2025-12-19. Review status: criteria provided, single submitter. Criteria: ACMG Guidelines, 2015. Collection method: clinical testing. Allele origin: germline.
Comment: The TRPC5 c.2369C>T variant is predicted to result in the amino acid substitution p.Ala790Val. To our knowledge, this variant has not been reported in the literature or in a large population database (gnomAD), indicating this variant is rare. At this time, the clinical significance of this variant is uncertain due to the absence of conclusive functional and genetic evidence.

NM_012471.3(TRPC5):c.2369C>T (p.Ala790Val)

Gene: TRPC5 (transient receptor potential cation channel subfamily C member 5; minus strand). Cytogenetic location: Xq23.
Variant type: single nucleotide variant.
Coding change: c.2369C>T on transcript NM_012471.3 (MANE Select); coding-DNA position 2369, C replaced by T.
Protein change: p.Ala790Val; replaces alanine 790 with valine.
Molecular consequence: missense variant.
Genome position (GRCh38, 1-based): chrX:111,776,866, G>A on the plus strand (C>T on the coding strand, the complement: TRPC5 is on the minus strand). VCF-style: chrX-111776866-G-A. GRCh37 (hg19) VCF-style: chrX-111020094-G-A.
Other names: short protein forms A790V.
Identifiers: ClinVar variation 4987221 (VCV004987221.1).